The following is an entry in ClinVar:

ClinVar aggregate classification (germline): Uncertain significance. Review status: criteria provided, multiple submitters, no conflicts (2 of 4 stars). 2 submissions from 2 submitters: Uncertain significance (2). Last evaluated 2024-06-23.

Conditions:
Inborn genetic diseases. Identifiers: MedGen C0950123, MeSH D030342.

Allele frequency attached by ClinVar (database versions not stated): TOPMed below 0.00001; gnomAD 0.00001.
gnomAD v4.1: 11 of 1,612,318 alleles (0.00068%); highest among the groups gnomAD compares: Admixed American, 0.0017%; no homozygotes.

Submissions (2):

Ambry Genetics
Classification: Uncertain significance for Inborn genetic diseases. Last evaluated: 2024-06-23. Review status: criteria provided, single submitter. Criteria: Ambry Variant Classification Scheme 2023. Collection method: clinical testing. Allele origin: germline.
Comment: The p.A1572T variant (also known as c.4714G>A), located in coding exon 32 of the LRRK2 gene, results from a G to A substitution at nucleotide position 4714. The alanine at codon 1572 is replaced by threonine, an amino acid with similar properties. This amino acid position is conserved. In addition, this alteration is predicted to be deleterious by in silico analysis. Since supporting evidence is limited at this time, the clinical significance of this alteration remains unclear.

AiLife Diagnostics
Classification: Uncertain significance. Last evaluated: 2022-03-04. Review status: criteria provided, single submitter. Criteria: ACMG Guidelines, 2015. Collection method: clinical testing. Allele origin: germline. Affected: yes. Observed: 1 variant allele.

NM_198578.4(LRRK2):c.4714G>A (p.Ala1572Thr)

Gene: LRRK2 (leucine rich repeat kinase 2; plus strand). Cytogenetic location: 12q12.
Variant type: single nucleotide variant.
Coding change: c.4714G>A on transcript NM_198578.4 (MANE Select); coding-DNA position 4714, G replaced by A.
Protein change: p.Ala1572Thr; replaces alanine 1572 with threonine.
Molecular consequence: missense variant.
Genome position (GRCh38, 1-based): chr12:40,314,149, G>A. VCF-style: chr12-40314149-G-A. GRCh37 (hg19) VCF-style: chr12-40707951-G-A.
Other names: short protein forms A1572T.
Identifiers: ClinVar variation 1678010 (VCV001678010.4), dbSNP rs1945129316, ClinGen allele CA384419113.
Genomic context (GRCh38, chr12:40,314,149, plus strand): 5'-CGATTATTACAACTAGTGAGAGAAAATCAGCTGCAGTTAGATGAAAATGAGCTTCCTCAC[G>A]CAGTTCACTTTCTAAATGAATCAGGTTTGTGTTTTTCGTTCCTTATTTTCAAAGCTCAGC-3'
Protein context (NP_940980.4, residues 1562-1582): LQLDENELPH[Ala1572Thr]VHFLNESGVL